The following is an entry in ClinVar:

NM_005045.4(RELN):c.4006G>C (p.Glu1336Gln)

Gene: RELN (reelin; minus strand). Cytogenetic location: 7q22.1.
Variant type: single nucleotide variant.
Coding change: c.4006G>C on transcript NM_005045.4 (MANE Select); coding-DNA position 4006, G replaced by C.
Protein change: p.Glu1336Gln; replaces glutamic acid 1336 with glutamine.
Molecular consequence: missense variant.
Genome position (GRCh38, 1-based): chr7:103,589,735, C>G on the plus strand (G>C on the coding strand, the complement: RELN is on the minus strand). VCF-style: chr7-103589735-C-G. GRCh37 (hg19) VCF-style: chr7-103230182-C-G.
Other names: c.4006G>C, p.Glu1336Gln (NM_173054.3); short protein forms E1336Q.
Identifiers: ClinVar variation 954382 (VCV000954382.9), dbSNP rs758828226, ClinGen allele CA4421624.

ClinVar aggregate classification (germline): Conflicting classifications of pathogenicity. Review status: criteria provided, conflicting classifications (1 of 4 stars). 2 submissions from 2 submitters: Uncertain significance (1); Likely benign (1). Last evaluated 2024-04-25.

Conditions:
Norman-Roberts syndrome (LIS2). Also called: Lissencephaly 2 (Norman-Roberts type). Identifiers: Orphanet 89844, MedGen C0796089, MONDO:0009760, OMIM 257320.
Familial temporal lobe epilepsy 7. Identifiers: Orphanet 101046, MedGen C4225327, MONDO:0014639, OMIM 616436.

Allele frequency attached by ClinVar (database versions not stated): gnomAD exomes below 0.00001 and 0.00002; TOPMed below 0.00001; ExAC 0.00001; gnomAD 0.00001.
gnomAD v4.1: 9 of 1,613,764 alleles (0.00056%); highest among the groups gnomAD compares: East Asian, 0.016%; no homozygotes.

Submissions (2):

Labcorp Genetics (formerly Invitae), Labcorp
Classification: Likely benign for Familial temporal lobe epilepsy 7; Norman-Roberts syndrome. Last evaluated: 2024-04-25. Review status: criteria provided, single submitter. Criteria: Invitae Variant Classification Sherloc (09022015). Collection method: clinical testing. Allele origin: germline.

GeneDx
Classification: Uncertain significance. Last evaluated: 2019-07-15. Review status: criteria provided, single submitter. Criteria: GeneDx Variant Classification Process June 2021. Collection method: clinical testing. Allele origin: germline. Affected: yes.
Comment: In silico analysis, which includes protein predictors and evolutionary conservation, supports that this variant does not alter protein structure/function; Has not been previously published as pathogenic or benign to our knowledge